The following is an entry in ClinVar:

NM_173598.6(KSR2):c.722T>G (p.Leu241Arg)

Gene: KSR2 (kinase suppressor of ras 2; minus strand). Cytogenetic location: 12q24.23.
Variant type: single nucleotide variant.
Coding change: c.722T>G on transcript NM_173598.6 (MANE Select); coding-DNA position 722, T replaced by G.
Protein change: p.Leu241Arg; replaces leucine 241 with arginine.
Molecular consequence: missense variant.
Genome position (GRCh38, 1-based): chr12:117,761,275, A>C on the plus strand (T>G on the coding strand, the complement: KSR2 is on the minus strand). VCF-style: chr12-117761275-A-C. GRCh37 (hg19) VCF-style: chr12-118199080-A-C.
Other names: short protein forms L241R.
Identifiers: ClinVar variation 3346898 (VCV003346898.1).

ClinVar aggregate classification (germline): Uncertain significance (0 of 4 stars; one submission).

Conditions:
KSR2-related disorder. Also called: KSR2-related condition.

Submission:

PreventionGenetics, part of Exact Sciences
Classification: Uncertain significance for KSR2-related condition. Last evaluated: 2024-05-21. Review status: no assertion criteria provided. Collection method: clinical testing. Allele origin: germline.
Comment: The KSR2 c.635T>G variant is predicted to result in the amino acid substitution p.Leu212Arg. To our knowledge, this variant has not been reported in the literature or in a large population database, indicating this variant is rare. At this time, the clinical significance of this variant is uncertain due to the absence of conclusive functional and genetic evidence.